The following is an entry in ClinVar:

NM_032520.5(GNPTG):c.742-3T>C

Gene: GNPTG (N-acetylglucosamine-1-phosphate transferase subunit gamma; plus strand). Cytogenetic location: 16p13.3.
Variant type: single nucleotide variant.
Coding change: c.742-3T>C on transcript NM_032520.5 (MANE Select); 3 bases into the intron before coding-DNA position 742, T replaced by C.
Molecular consequence: intron variant.
Genome position (GRCh38, 1-based): chr16:1,362,822, T>C. VCF-style: chr16-1362822-T-C. GRCh37 (hg19) VCF-style: chr16-1412823-T-C.
Identifiers: ClinVar variation 1419883 (VCV001419883.8), dbSNP rs199724765, ClinGen allele CA7807930.

ClinVar aggregate classification (germline): Uncertain significance (1 of 4 stars; one submission).

Allele frequency attached by ClinVar (database versions not stated): gnomAD 0.00001; gnomAD exomes 0.00001 and 0.00003; TOPMed 0.00001; ExAC 0.00003; 1000 Genomes Project 0.00020; 1000 Genomes Project 30x 0.00062.
gnomAD v4.1: 6 of 1,613,988 alleles (0.00037%); highest among the groups gnomAD compares: Admixed American, 0.01%; no homozygotes.

Submission:

Labcorp Genetics (formerly Invitae), Labcorp
Classification: Uncertain significance. Last evaluated: 2025-01-27. Review status: criteria provided, single submitter. Criteria: Invitae Variant Classification Sherloc (09022015). Collection method: clinical testing. Allele origin: germline.
Comment: This sequence change falls in intron 9 of the GNPTG gene. It does not directly change the encoded amino acid sequence of the GNPTG protein. It affects a nucleotide within the consensus splice site. This variant is present in population databases (rs199724765, gnomAD 0.01%). This variant has not been reported in the literature in individuals affected with GNPTG-related conditions. ClinVar contains an entry for this variant (Variation ID: 1419883). Variants that disrupt the consensus splice site are a relatively common cause of aberrant splicing (PMID: 17576681, 9536098). Algorithms developed to predict the effect of sequence changes on RNA splicing suggest that this variant is not likely to affect RNA splicing. In summary, the available evidence is currently insufficient to determine the role of this variant in disease. Therefore, it has been classified as a Variant of Uncertain Significance.

Literature cited by the submitters: PubMed 17576681; PubMed 9536098.